The following is an entry in ClinVar:

ClinVar aggregate classification (germline): Uncertain significance. Review status: criteria provided, multiple submitters, no conflicts (2 of 4 stars). 3 submissions from 3 submitters: Uncertain significance (2). 1 of the submissions does not count toward it. Last evaluated 2026-04-11.

Conditions:
Joubert syndrome. Also called: JOUBERT-BOLTSHAUSER SYNDROME; Familial aplasia of the vermis. Identifiers: Orphanet 475, MedGen C5979921, MONDO:0018772.
Nephronophthisis. Also called: Juvenile Nephronophthisis. Identifiers: Orphanet 655, MedGen C0687120, MONDO:0019005, HP:0000090.
Meckel-Gruber syndrome. Also called: DYSENCEPHALIA SPLANCHNOCYSTICA; GRUBER SYNDROME; Dysencephalia splachnocystica. Identifiers: Orphanet 564, MedGen C0265215, MONDO:0018921.
CEP290-related disorder. Also called: CEP290-related condition; CEP290-related disorders. Identifiers: MedGen CN239314.

Submissions (3):

GeneDx
Classification: Uncertain significance. Last evaluated: 2026-04-11. Review status: criteria provided, single submitter. Criteria: GeneDx Variant Classification Process June 2021. Collection method: clinical testing. Allele origin: germline.
Comment: Not observed at significant frequency in large population cohorts (gnomAD); Has not been previously published as pathogenic or benign to our knowledge; In silico analysis is inconclusive as to whether the variant alters gene splicing. In the absence of RNA/functional studies, the actual effect of this sequence change is unknown.

Labcorp Genetics (formerly Invitae), Labcorp
Classification: Uncertain significance for Joubert syndrome; Meckel-Gruber syndrome; Nephronophthisis. Last evaluated: 2022-02-10. Review status: criteria provided, single submitter. Criteria: Invitae Variant Classification Sherloc (09022015). Collection method: clinical testing. Allele origin: germline.
Comment: This sequence change falls in intron 46 of the CEP290 gene. It does not directly change the encoded amino acid sequence of the CEP290 protein. This variant is not present in population databases (gnomAD no frequency). This variant has not been reported in the literature in individuals affected with CEP290-related conditions. Algorithms developed to predict the effect of sequence changes on RNA splicing suggest that this variant may disrupt the consensus splice site. In summary, the available evidence is currently insufficient to determine the role of this variant in disease. Therefore, it has been classified as a Variant of Uncertain Significance.

PreventionGenetics, part of Exact Sciences
Classification: Likely benign for CEP290-related condition. Last evaluated: 2021-08-18. Review status: no assertion criteria provided. Collection method: clinical testing. Allele origin: germline. Not counted in ClinVar's aggregate classification.
Comment: This variant is classified as likely benign based on ACMG/AMP sequence variant interpretation guidelines (Richards et al. 2015 PMID: 25741868, with internal and published modifications).

NM_025114.4(CEP290):c.6358-17_6358-10del

Gene: CEP290 (centrosomal protein 290; minus strand). Cytogenetic location: 12q21.32.
Variant type: Deletion.
Coding change: c.6358-17_6358-10del on transcript NM_025114.4 (MANE Select); 17 bases into the intron before coding-DNA position 6358 through 10 bases into the intron before coding-DNA position 6358, 8 bases deleted (AACATATT; older notation c.6358-17_6358-10delAACATATT).
Molecular consequence: intron variant.
Genome position (GRCh38, 1-based): chr12:88,061,004-88,061,011, AATATGTT deleted on the plus strand (AACATATT on the coding strand, the reverse complement: CEP290 is on the minus strand); deleting any 8 consecutive bases within chr12:88,061,004-88,061,013 gives the same sequence; the c. name uses the placement nearest the transcript's 3' end. VCF-style (leftmost placement, unchanged base first): chr12-88061003-GAATATGTT-G. GRCh37 (hg19) VCF-style: chr12-88454780-GAATATGTT-G.
Other names: c.6358-17_6358-10del8 (NM_025114.3).
Identifiers: ClinVar variation 2198536 (VCV002198536.3), dbSNP rs2034440499, ClinGen allele CA950214130.
Genomic context (GRCh38, chr12:88,061,003, plus strand): 5'-TTAAACCAATGGTTTTTTCCAGTTCTGGGATTGTCTTTCCACTTCTACCAGACTACGAAA[GAATATGTT>G]AAATCTTTAATCAAATATTTTAGTAAGTATAATACGAAGTACCAACAATACAACAGGCTT-3'